The following is an entry in ClinVar:

ClinVar aggregate classification (germline): Uncertain significance (1 of 4 stars; one submission).

Allele frequency attached by ClinVar (database versions not stated): gnomAD exomes below 0.00001; TOPMed below 0.00001; gnomAD 0.00003.
gnomAD v4.1: 10 of 1,614,088 alleles (0.00062%); highest among the groups gnomAD compares: African/African-American, 0.004%; no homozygotes.

Submission:

Labcorp Genetics (formerly Invitae), Labcorp
Classification: Uncertain significance. Last evaluated: 2023-12-11. Review status: criteria provided, single submitter. Criteria: Invitae Variant Classification Sherloc (09022015). Collection method: clinical testing. Allele origin: germline.
Comment: This sequence change replaces valine, which is neutral and non-polar, with methionine, which is neutral and non-polar, at codon 59 of the SIAE protein (p.Val59Met). This variant is not present in population databases (gnomAD no frequency). This variant has not been reported in the literature in individuals affected with SIAE-related conditions. An algorithm developed to predict the effect of missense changes on protein structure and function (PolyPhen-2) suggests that this variant is likely to be disruptive. In summary, the available evidence is currently insufficient to determine the role of this variant in disease. Therefore, it has been classified as a Variant of Uncertain Significance.

NM_170601.5(SIAE):c.175G>A (p.Val59Met)

Gene: SIAE (sialic acid acetylesterase; minus strand). Cytogenetic location: 11q24.2.
Variant type: single nucleotide variant.
Coding change: c.175G>A on transcript NM_170601.5 (MANE Select); coding-DNA position 175, G replaced by A.
Protein change: p.Val59Met; replaces valine 59 with methionine.
Molecular consequence: missense variant.
Genome position (GRCh38, 1-based): chr11:124,669,414, C>T on the plus strand (G>A on the coding strand, the complement: SIAE is on the minus strand). VCF-style: chr11-124669414-C-T. GRCh37 (hg19) VCF-style: chr11-124539310-C-T.
Other names: c.70G>A, p.Val24Met (NM_001199922.2); short protein forms V59M, V24M.
Identifiers: ClinVar variation 2869564 (VCV002869564.3), dbSNP rs1294351904, ClinGen allele CA383122058.